The following is an entry in ClinVar:

ClinVar aggregate classification (germline): Uncertain significance (1 of 4 stars; one submission).

Conditions:
Epidermolysis bullosa simplex 3, localized or generalized intermediate, with BP230 deficiency (EBS3). Also called: Epidermolysis bullosa simplex due to BP230 deficiency; Epidermolysis bullosa simplex, autosomal recessive 2. Identifiers: Orphanet 412181, MedGen C3809470, MONDO:0014180, OMIM 615425.
Hereditary sensory and autonomic neuropathy type 6. Also called: Neuropathy, hereditary sensory and autonomic, type VI; HSAN VI. Identifiers: Orphanet 314381, MedGen C3539003, MONDO:0013839, OMIM 614653.

Allele frequency attached by ClinVar (database versions not stated): gnomAD exomes 0.00001; ExAC 0.00002; gnomAD 0.00003 and 0.00004; TOPMed 0.00009.
gnomAD v4.1: 20 of 1,614,046 alleles (0.0012%); highest among the groups gnomAD compares: African/African-American, 0.0067%; no homozygotes.

Submission:

Labcorp Genetics (formerly Invitae), Labcorp
Classification: Uncertain significance for Epidermolysis bullosa simplex 3, localized or generalized intermediate, with BP230 deficiency; Hereditary sensory and autonomic neuropathy type 6. Last evaluated: 2022-07-12. Review status: criteria provided, single submitter. Criteria: Invitae Variant Classification Sherloc (09022015). Collection method: clinical testing. Allele origin: germline.
Comment: In summary, the available evidence is currently insufficient to determine the role of this variant in disease. Therefore, it has been classified as a Variant of Uncertain Significance. Algorithms developed to predict the effect of missense changes on protein structure and function (SIFT, PolyPhen-2, Align-GVGD) all suggest that this variant is likely to be tolerated. ClinVar contains an entry for this variant (Variation ID: 961150). This variant has not been reported in the literature in individuals affected with DST-related conditions. This variant is present in population databases (rs748013072, gnomAD 0.007%). This sequence change replaces glycine, which is neutral and non-polar, with arginine, which is basic and polar, at codon 1698 of the DST protein (p.Gly1698Arg).

NM_001723.7(DST):c.5092G>A (p.Gly1698Arg)

Gene: DST (dystonin; minus strand). Cytogenetic location: 6p12.1.
Variant type: single nucleotide variant.
Coding change: c.5092G>A on transcript NM_001723.7 (MANE Plus Clinical); coding-DNA position 5092, G replaced by A.
Protein change: p.Gly1698Arg; replaces glycine 1698 with arginine.
Molecular consequence: missense variant. On other transcripts: intron variant (10).
Genome position (GRCh38, 1-based): chr6:56,618,942, C>T on the plus strand (G>A on the coding strand, the complement: DST is on the minus strand). VCF-style: chr6-56618942-C-T. GRCh37 (hg19) VCF-style: chr6-56483740-C-T.
Other names: c.4831-4458G>A (NM_001144769.5); c.4930-4458G>A (NM_001374722.1, NM_001374736.1); c.4957-4458G>A (NM_001374734.1); c.4417-4458G>A (NM_001144770.2); c.4297-4458G>A (NM_001374730.1, NM_001386100.1, NM_183380.4 and 1 more transcripts); c.3319-4458G>A (NM_015548.5); short protein forms G1698R.
Identifiers: ClinVar variation 961150 (VCV000961150.8), dbSNP rs748013072, ClinGen allele CA3870418.
Genomic context (GRCh38, chr6:56,618,942, plus strand): 5'-TTTTCAACCTGTTATTTAACTCTTGCACCTGAGCTTGTTGTAGCTGAACTTTCTGCTCCC[C>T]GCGTCGCTTCTCTTCTTTGGAAGCATTCAGTTCCGCATTCAGATTTCTAACTTCTTTCTT-3'
Protein context (NP_001714.1, residues 1688-1708): LNASKEEKRR[Gly1698Arg]EQKVQLQQAQ